The following is an entry in ClinVar:

ClinVar aggregate classification (germline): Uncertain significance. Review status: criteria provided, multiple submitters, no conflicts (2 of 4 stars). 2 submissions from 2 submitters: Uncertain significance (2). Last evaluated 2022-11-22.

gnomAD v4.1: 18 of 1,614,198 alleles (0.0011%); highest among the groups gnomAD compares: African/African-American, 0.011%; 1 homozygote.

Submissions (2):

Labcorp Genetics (formerly Invitae), Labcorp
Classification: Uncertain significance. Last evaluated: 2022-11-22. Review status: criteria provided, single submitter. Criteria: Invitae Variant Classification Sherloc (09022015). Collection method: clinical testing. Allele origin: germline.
Comment: In summary, the available evidence is currently insufficient to determine the role of this variant in disease. Therefore, it has been classified as a Variant of Uncertain Significance. Advanced modeling of protein sequence and biophysical properties (such as structural, functional, and spatial information, amino acid conservation, physicochemical variation, residue mobility, and thermodynamic stability) performed at Invitae indicates that this missense variant is not expected to disrupt MYH3 protein function. ClinVar contains an entry for this variant (Variation ID: 1363408). This variant has not been reported in the literature in individuals affected with MYH3-related conditions. This variant is not present in population databases (gnomAD no frequency). This sequence change replaces asparagine, which is neutral and polar, with threonine, which is neutral and polar, at codon 1019 of the MYH3 protein (p.Asn1019Thr).

Blueprint Genetics
Classification: Uncertain significance. Last evaluated: 2021-12-08. Review status: criteria provided, single submitter. Criteria: ACMG Guidelines, 2015. Collection method: clinical testing. Allele origin: germline.

NM_002470.4(MYH3):c.3056A>C (p.Asn1019Thr)

Gene: MYH3 (myosin heavy chain 3; minus strand). Cytogenetic location: 17p13.1.
Variant type: single nucleotide variant.
Coding change: c.3056A>C on transcript NM_002470.4 (MANE Select); coding-DNA position 3056, A replaced by C.
Protein change: p.Asn1019Thr; replaces asparagine 1019 with threonine.
Molecular consequence: missense variant.
Genome position (GRCh38, 1-based): chr17:10,639,344, T>G on the plus strand (A>C on the coding strand, the complement: MYH3 is on the minus strand). VCF-style: chr17-10639344-T-G. GRCh37 (hg19) VCF-style: chr17-10542661-T-G.
Other names: short protein forms N1019T.
Identifiers: ClinVar variation 1363408 (VCV001363408.9), dbSNP rs113678512, ClinGen allele CA287784493.